The following is an entry in ClinVar:

ClinVar aggregate classification (germline): Uncertain significance (1 of 4 stars; one submission).

Conditions:
ALMS1-related disorder. Also called: ALMS1-related condition.

Submission:

PreventionGenetics, part of Exact Sciences
Classification: Uncertain significance for ALMS1-related condition. Last evaluated: 2026-08-26. Review status: criteria provided, single submitter. Criteria: ACMG Guidelines, 2015. Collection method: clinical testing. Allele origin: germline.
Comment: The ALMS1 c.2863T>C variant is predicted to result in the amino acid substitution p.Ser955Pro. To our knowledge, this variant has not been reported in the literature or in a large population database (gnomAD), indicating this variant is rare. At this time, the clinical significance of this variant is uncertain due to the absence of conclusive functional and genetic evidence.

NM_001378454.1(ALMS1):c.2860T>C (p.Ser954Pro)

Gene: ALMS1 (ALMS1 centrosome and basal body associated protein; plus strand). Cytogenetic location: 2p13.1.
Variant type: single nucleotide variant.
Coding change: c.2860T>C on transcript NM_001378454.1 (MANE Select); coding-DNA position 2860, T replaced by C.
Protein change: p.Ser954Pro; replaces serine 954 with proline.
Molecular consequence: missense variant.
Genome position (GRCh38, 1-based): chr2:73,449,387, T>C. VCF-style: chr2-73449387-T-C. GRCh37 (hg19) VCF-style: chr2-73676514-T-C.
Other names: c.2863T>C, p.Ser955Pro (NM_015120.4); short protein forms S955P, S954P.
Identifiers: ClinVar variation 4988231 (VCV004988231.1).